The following is an entry in ClinVar:

NM_024809.5(TCTN2):c.1060G>C (p.Glu354Gln)

Gene: TCTN2 (tectonic family member 2; plus strand). Cytogenetic location: 12q24.31.
Variant type: single nucleotide variant.
Coding change: c.1060G>C on transcript NM_024809.5 (MANE Select); coding-DNA position 1060, G replaced by C.
Protein change: p.Glu354Gln; replaces glutamic acid 354 with glutamine.
Molecular consequence: missense variant.
Genome position (GRCh38, 1-based): chr12:123,692,684, G>C. VCF-style: chr12-123692684-G-C. GRCh37 (hg19) VCF-style: chr12-124177231-G-C.
Other names: c.1057G>C, p.Glu353Gln (NM_001143850.3); short protein forms E353Q, E354Q.
Identifiers: ClinVar variation 1424238 (VCV001424238.4), dbSNP rs953263200, ClinGen allele CA387140978.

ClinVar aggregate classification (germline): Uncertain significance (1 of 4 stars; one submission).

Conditions:
Joubert syndrome. Also called: CEREBELLOPARENCHYMAL DISORDER IV; JOUBERT-BOLTSHAUSER SYNDROME; Familial aplasia of the vermis. Identifiers: Orphanet 475, MedGen C5979921, MONDO:0018772.
Meckel-Gruber syndrome. Also called: DYSENCEPHALIA SPLANCHNOCYSTICA; GRUBER SYNDROME; Dysencephalia splachnocystica. Identifiers: Orphanet 564, MedGen C0265215, MONDO:0018921.

Submission:

Labcorp Genetics (formerly Invitae), Labcorp
Classification: Uncertain significance for Joubert syndrome; Meckel-Gruber syndrome. Last evaluated: 2022-10-18. Review status: criteria provided, single submitter. Criteria: Invitae Variant Classification Sherloc (09022015). Collection method: clinical testing. Allele origin: germline.
Comment: This variant is not present in population databases (gnomAD no frequency). This sequence change replaces glutamic acid, which is acidic and polar, with glutamine, which is neutral and polar, at codon 354 of the TCTN2 protein (p.Glu354Gln). This variant has not been reported in the literature in individuals affected with TCTN2-related conditions. In summary, the available evidence is currently insufficient to determine the role of this variant in disease. Therefore, it has been classified as a Variant of Uncertain Significance. Advanced modeling of protein sequence and biophysical properties (such as structural, functional, and spatial information, amino acid conservation, physicochemical variation, residue mobility, and thermodynamic stability) performed at Invitae indicates that this missense variant is not expected to disrupt TCTN2 protein function. ClinVar contains an entry for this variant (Variation ID: 1424238).